The following is an entry in ClinVar:

NM_213653.4(HJV):c.703del (p.Val235fs)

Gene: HJV (hemojuvelin BMP co-receptor; minus strand). Cytogenetic location: 1q21.1.
Variant type: Deletion.
Coding change: c.703del on transcript NM_213653.4 (MANE Select); coding-DNA position 703, one base deleted (G; older notation c.703delG).
Protein change: p.Val235fs; shifts the reading frame from valine 235.
Molecular consequence: frameshift variant.
Genome position (GRCh38, 1-based): chr1:146,018,655, C deleted on the plus strand (G on the coding strand, the reverse complement: HJV is on the minus strand); the first of 2 consecutive C bases (chr1:146,018,655-146,018,656); deleting either gives the same sequence. VCF-style (leftmost placement, unchanged base first): chr1-146018654-AC-A. GRCh37 (hg19) VCF-style: chr1-145416356-AG-A.
Other names: c.25del, p.Val9fs (NM_001316767.2, NM_202004.4, NM_213652.4); c.703del, p.Val235fs (NM_001379352.1); c.364del, p.Val122fs (NM_145277.5); c.703delG (NM_213653.3); short protein forms V122fs, V9fs, V235fs.
Identifiers: ClinVar variation 1459917 (VCV001459917.7), dbSNP rs1559279159, ClinGen allele CA916295408.
Genomic context (GRCh38, chr1:146,018,654, plus strand): 5'-CCTCCATTGATAGAACCATCTTCAAAGGCTACAGGAAGATTATCCACCTCAGCCTGATAC[AC>A]CTTCTGATCAATGCATTCCTGCATGTTCTTAAATATGATGGTGAGCTGTGAGGACAAGAG-3'

ClinVar aggregate classification (germline): Pathogenic/Likely pathogenic. Review status: criteria provided, multiple submitters, no conflicts (2 of 4 stars). 2 submissions from 2 submitters: Pathogenic (1); Likely pathogenic (1). Last evaluated 2026-01-11.

Conditions:
Hemochromatosis type 2A (HFE2A). Also called: HJV (HFE2)-Related Juvenile Hemochromatosis; Adult-Onset Hemochromatosis. Identifiers: Orphanet 79230, MedGen C1865614, MONDO:0011216, OMIM 602390.

Submissions (2):

Labcorp Genetics (formerly Invitae), Labcorp
Classification: Pathogenic. Last evaluated: 2026-01-11. Review status: criteria provided, single submitter. Criteria: Invitae Variant Classification Sherloc (09022015). Collection method: clinical testing. Allele origin: germline.
Comment: This sequence change creates a premature translational stop signal (p.Val235Cysfs*11) in the HJV gene. While this is not anticipated to result in nonsense mediated decay, it is expected to disrupt the last 192 amino acid(s) of the HJV protein. This variant is not present in population databases (gnomAD no frequency). This variant has not been reported in the literature in individuals affected with HJV-related conditions. ClinVar contains an entry for this variant (Variation ID: 1459917). This variant disrupts a region of the HJV protein in which other variant(s) (p.Arg385*) have been determined to be pathogenic (PMID: 14982873, 30389309). This suggests that this is a clinically significant region of the protein, and that variants that disrupt it are likely to be disease-causing. For these reasons, this variant has been classified as Pathogenic.

Natera, Inc.
Classification: Likely pathogenic for Hemochromatosis type 2A. Last evaluated: 2025-05-27. Review status: criteria provided, single submitter. Criteria: Natera Variant Classification Schema (03/2026). Collection method: clinical testing. Allele origin: germline.
Comment: The c.703delG variant in HJV is a frameshift variant predicted to shift the reading frame beginning at codon 235 and leads to a stop codon 11 codons downstream. This variant is expected to result in nonsense mediated decay, truncation, or a dysfunctional protein product. This variant is rare in the general population with a frequency below the threshold expected for the associated phenotype(s). Given the available evidence, this variant is classified as Likely Pathogenic.

Literature cited by the submitters: PubMed 14982873 (cited by Labcorp Genetics (formerly Invitae), Labcorp); PubMed 30389309 (cited by Labcorp Genetics (formerly Invitae), Labcorp).